The following is an entry in ClinVar:

NM_002949.4(MRPL12):c.445A>G (p.Ile149Val)

Gene: MRPL12 (mitochondrial ribosomal protein L12; plus strand). Cytogenetic location: 17q25.3.
Variant type: single nucleotide variant.
Coding change: c.445A>G on transcript NM_002949.4 (MANE Select); coding-DNA position 445, A replaced by G.
Protein change: p.Ile149Val; replaces isoleucine 149 with valine.
Molecular consequence: missense variant.
Genome position (GRCh38, 1-based): chr17:81,707,005, A>G. VCF-style: chr17-81707005-A-G. GRCh37 (hg19) VCF-style: chr17-79674035-A-G.
Other names: c.445A>G (NM_002949.3); short protein forms I149V.
Identifiers: ClinVar variation 1975004 (VCV001975004.6), dbSNP rs769879364, ClinGen allele CA8841391.

ClinVar aggregate classification (germline): Uncertain significance. Review status: criteria provided, multiple submitters, no conflicts (2 of 4 stars). 2 submissions from 2 submitters: Uncertain significance (2). Last evaluated 2024-02-27.

Allele frequency attached by ClinVar (database versions not stated): gnomAD exomes below 0.00001; ExAC 0.00001; TOPMed 0.00002; gnomAD 0.00003.
gnomAD v4.1: 9 of 1,614,016 alleles (0.00056%); highest among the groups gnomAD compares: African/African-American, 0.012%; no homozygotes.

Submissions (2):

Ambry Genetics
Classification: Uncertain significance. Last evaluated: 2024-02-27. Review status: criteria provided, single submitter. Criteria: Ambry Variant Classification Scheme 2023. Collection method: clinical testing. Allele origin: germline.

Labcorp Genetics (formerly Invitae), Labcorp
Classification: Uncertain significance. Last evaluated: 2022-07-09. Review status: criteria provided, single submitter. Criteria: Invitae Variant Classification Sherloc (09022015). Collection method: clinical testing. Allele origin: germline.
Comment: This variant is present in population databases (rs769879364, gnomAD 0.008%). This variant has not been reported in the literature in individuals affected with MRPL12-related conditions. Algorithms developed to predict the effect of missense changes on protein structure and function (SIFT, PolyPhen-2, Align-GVGD) all suggest that this variant is likely to be tolerated. In summary, the available evidence is currently insufficient to determine the role of this variant in disease. Therefore, it has been classified as a Variant of Uncertain Significance. This sequence change replaces isoleucine, which is neutral and non-polar, with valine, which is neutral and non-polar, at codon 149 of the MRPL12 protein (p.Ile149Val).